The following is an entry in ClinVar:

NM_024721.5(ZFHX4):c.1202_1208del (p.Met401fs)

Gene: ZFHX4 (zinc finger homeobox 4; plus strand). Cytogenetic location: 8q21.13.
Variant type: Deletion.
Coding change: c.1202_1208del on transcript NM_024721.5 (MANE Select); coding-DNA positions 1202 to 1208, 7 bases deleted (TGCCAAA; older notation c.1202_1208delTGCCAAA).
Protein change: p.Met401fs; shifts the reading frame from methionine 401.
Molecular consequence: frameshift variant.
Genome position (GRCh38, 1-based): chr8:76,705,290-76,705,296, TGCCAAA deleted; deleting any 7 consecutive bases within chr8:76,705,285-76,705,296 gives the same sequence; the c. name uses the placement nearest the transcript's 3' end. VCF-style (leftmost placement, unchanged base first): chr8-76705284-CCCAAATG-C. GRCh37 (hg19) VCF-style: chr8-77617519-CCCAAATG-C.
Other names: c.1202_1208del, p.Met401fs (NM_001410934.1); short protein forms M401fs.
Identifiers: ClinVar variation 4813839 (VCV004813839.1).
Genomic context (GRCh38, chr8:76,705,284, plus strand): 5'-TTGCCTTCTTAAAAGGAAGCGCGAGCACCTCGAGCTCAGCAGAGCAGCCGCTGGGGATTA[CCCAAATG>C]CCAAAGGCTGAAGTGAATCTGGGGGGGCTGTCTAGTTTAGTAGTGAACACCCCAATTACC-3'

ClinVar aggregate classification (germline): Pathogenic (1 of 4 stars; one submission).

Conditions:
Autosomal dominant ZFHX4-related disorders.

Submission:

Variantyx, Inc.
Classification: Pathogenic for Autosomal dominant ZFHX4-related disorders. Last evaluated: 2025-12-23. Review status: criteria provided, single submitter. Criteria: Variantyx Assertion Criteria 2022. Collection method: clinical testing. Allele origin: germline. Inheritance: Autosomal recessive inheritance. Affected: yes.
Comment: This is a frameshift variant in the ZFHX4 gene (OMIM: 606940). Pathogenic variants in this gene have been associated with autosomal dominant ZFHX4-related neurodevelopmental disorder. This variant introduces a premature termination codon in exon 2 out of 11 and is expected to result in loss of function, which is a known disease mechanism for ZFHX4 in this disorder (PMID: 39148819, 40367947) (PVS1). This variant is absent from control populations (PM2) and has not been reported in individuals with ZFHX4-related disorders in the databases available for review. Based on the current evidence, this variant is classified as pathogenic for autosomal dominant ZFHX4-related disorders.

Literature cited by the submitters: PubMed 39148819.